The following is an entry in ClinVar:

ClinVar aggregate classification (germline): Uncertain significance (1 of 4 stars; one submission).

Allele frequency attached by ClinVar (database versions not stated): gnomAD 0.00001; gnomAD exomes 0.00001; TOPMed 0.00001; ExAC 0.00003.
gnomAD v4.1: 9 of 1,613,546 alleles (0.00056%); highest among the groups gnomAD compares: Admixed American, 0.0033%; no homozygotes.

Submission:

Labcorp Genetics (formerly Invitae), Labcorp
Classification: Uncertain significance. Last evaluated: 2022-11-18. Review status: criteria provided, single submitter. Criteria: Invitae Variant Classification Sherloc (09022015). Collection method: clinical testing. Allele origin: germline.
Comment: This variant is present in population databases (rs760261107, gnomAD 0.006%). This sequence change replaces arginine, which is basic and polar, with histidine, which is basic and polar, at codon 951 of the GANAB protein (p.Arg951His). This variant has not been reported in the literature in individuals affected with GANAB-related conditions. In summary, the available evidence is currently insufficient to determine the role of this variant in disease. Therefore, it has been classified as a Variant of Uncertain Significance. Algorithms developed to predict the effect of missense changes on protein structure and function are either unavailable or do not agree on the potential impact of this missense change (SIFT: "Deleterious"; PolyPhen-2: "Probably Damaging"; Align-GVGD: "Class C0").

NM_198334.3(GANAB):c.2786G>A (p.Arg929His)

Gene: GANAB (glucosidase II alpha subunit; minus strand). Cytogenetic location: 11q12.3.
Variant type: single nucleotide variant.
Coding change: c.2786G>A on transcript NM_198334.3 (MANE Select); coding-DNA position 2786, G replaced by A.
Protein change: p.Arg929His; replaces arginine 929 with histidine.
Molecular consequence: missense variant.
Genome position (GRCh38, 1-based): chr11:62,625,864, C>T on the plus strand (G>A on the coding strand, the complement: GANAB is on the minus strand). VCF-style: chr11-62625864-C-T. GRCh37 (hg19) VCF-style: chr11-62393336-C-T.
Other names: c.2495G>A, p.Arg832His (NM_001329223.2, NM_001278194.2, NM_001329222.2); c.2063G>A, p.Arg688His (NM_001329224.2, NM_001329225.2); c.2852G>A, p.Arg951His (NM_198335.4); c.2510G>A, p.Arg837His (NM_001278192.2); c.2444G>A, p.Arg815His (NM_001278193.2); short protein forms R815H, R832H, R951H, R688H, R837H, R929H.
Identifiers: ClinVar variation 3020177 (VCV003020177.3), dbSNP rs760261107, ClinGen allele CA6050323.
Genomic context (GRCh38, chr11:62,625,864, plus strand): 5'-CATCCCTTGGGTTATCGCAGGTGAATACTCCAATCAGATGCCACATTGATGCCAGGCTTG[C>T]GCAGGACCAACACAGAGGTCTCAGGGTCATGCTGGAAGGACAGGCGGCTTTCTGGAGATC-3'
Protein context (NP_938148.1, residues 919-939): HDPETSVLVL[Arg929His]KPGINVASDW